The following is an entry in ClinVar:

NM_001383.6(DPH1):c.1292A>G (p.Glu431Gly)

Gene: DPH1 (diphthamide biosynthesis 1; plus strand). Cytogenetic location: 17p13.3.
Variant type: single nucleotide variant.
Coding change: c.1292A>G on transcript NM_001383.6 (MANE Select); coding-DNA position 1292, A replaced by G.
Protein change: p.Glu431Gly; replaces glutamic acid 431 with glycine.
Molecular consequence: missense variant. On other transcripts: non-coding transcript variant (3).
Genome position (GRCh38, 1-based): chr17:2,041,832, A>G. VCF-style: chr17-2041832-A-G. GRCh37 (hg19) VCF-style: chr17-1945126-A-G.
Other names: c.1244A>G, p.Glu415Gly (NM_001346574.1); c.1211A>G, p.Glu404Gly (NM_001346575.1); c.887A>G, p.Glu296Gly (NM_001346576.2); short protein forms E296G, E404G, E415G, E431G.
Identifiers: ClinVar variation 2647214 (VCV002647214.24), dbSNP rs1446762577, ClinGen allele CA397605927.
Genomic context (GRCh38, chr17:2,041,832, plus strand): 5'-AGGAGGGGTCCGCGCGTCCCCCTTCGGCCGTGGCTTGCGAGGACTGCAGCTGCAGGGACG[A>G]GAAGGTGGCGCCGCTGGCTCCTTGACGCGCTCCCGGGCCTCAGGTATCAGCCCCCGCTCT-3'
Protein context (NP_001374.4, residues 421-438): VACEDCSCRD[Glu431Gly]KVAPLAP

ClinVar aggregate classification (germline): Likely benign (1 of 4 stars; one submission).

Allele frequency attached by ClinVar (database versions not stated): gnomAD 0.00001; TOPMed 0.00001.
gnomAD v4.1: 11 of 1,603,720 alleles (0.00069%); highest among the groups gnomAD compares: Non-Finnish European, 0.00093%; no homozygotes.

Submission:

CeGaT Center for Human Genetics Tuebingen
Classification: Likely benign. Last evaluated: 2022-07-01. Review status: criteria provided, single submitter. Criteria: CeGaT Center For Human Genetics Tuebingen Variant Classification Criteria Version 2. Collection method: clinical testing. Allele origin: germline. Affected: yes. Observed: 1 variant allele.
Comment: DPH1: BP4